The following is an entry in ClinVar:

NM_000455.5(STK11):c.290+2dup

Gene: STK11 (serine/threonine kinase 11; plus strand). Cytogenetic location: 19p13.3.
Variant type: Duplication.
Coding change: c.290+2dup on transcript NM_000455.5 (MANE Select); the canonical splice donor site of the intron after coding-DNA position 290, one base duplicated (T; older notation c.290+2dupT).
Molecular consequence: splice donor variant.
Genome position (GRCh38, 1-based): chr19:1,207,205, T duplicated. VCF-style (leftmost placement, unchanged base first): chr19-1207204-G-GT. GRCh37 (hg19) VCF-style: chr19-1207203-G-GT.
Other names: c.290+2dup (NM_001407255.1).
Identifiers: ClinVar variation 4730387 (VCV004730387.1).

ClinVar aggregate classification (germline): Uncertain significance (1 of 4 stars; one submission).

Conditions:
Peutz-Jeghers syndrome (PJS). Also called: Peutz-Jeghers polyposis; Periorificial lentiginosis syndrome; POLYPOSIS, HAMARTOMATOUS INTESTINAL; POLYPS-AND-SPOTS SYNDROME. Identifiers: Orphanet 2869, MedGen C0031269, MeSH D010580, MONDO:0008280, OMIM 175200.

Submission:

Labcorp Genetics (formerly Invitae), Labcorp
Classification: Uncertain significance for Peutz-Jeghers syndrome. Last evaluated: 2025-11-03. Review status: criteria provided, single submitter. Criteria: Invitae Variant Classification Sherloc (09022015). Collection method: clinical testing. Allele origin: germline.
Comment: This sequence change falls in intron 1 of the STK11 gene. It does not directly change the encoded amino acid sequence of the STK11 protein. It affects a nucleotide within the consensus splice site. This variant is not present in population databases (gnomAD no frequency). This variant has not been reported in the literature in individuals affected with STK11-related conditions. Variants that disrupt the consensus splice site are a relatively common cause of aberrant splicing (PMID: 17576681, 9536098). Algorithms developed to predict the effect of sequence changes on RNA splicing suggest that this variant may disrupt the consensus splice site. In summary, the available evidence is currently insufficient to determine the role of this variant in disease. Therefore, it has been classified as a Variant of Uncertain Significance.

Literature cited by the submitters: PubMed 17576681; PubMed 9536098.